The following is an entry in ClinVar:

ClinVar aggregate classification (germline): Pathogenic/Likely pathogenic. Review status: criteria provided, multiple submitters, no conflicts (2 of 4 stars). 10 submissions from 10 submitters: Pathogenic (8); Likely pathogenic (2). Last evaluated 2026-01-19.

Conditions:
Bainbridge-Ropers syndrome. Also called: Severe feeding difficulties-failure to thrive-microcephaly due to ASXL3 deficiency syndrome. Identifiers: Orphanet 352577, MedGen C4750837, MONDO:0014205, OMIM 615485.

Submissions (10):

Labcorp Genetics (formerly Invitae), Labcorp
Classification: Pathogenic. Last evaluated: 2026-01-19. Review status: criteria provided, single submitter. Criteria: Invitae Variant Classification Sherloc (09022015). Collection method: clinical testing. Allele origin: germline.
Comment: This sequence change creates a premature translational stop signal (p.Arg1117*) in the ASXL3 gene. While this is not anticipated to result in nonsense mediated decay, it is expected to disrupt the last 1132 amino acid(s) of the ASXL3 protein. This variant is not present in population databases (gnomAD no frequency). This premature translational stop signal has been observed in individual(s) with Bainbridge-Ropers syndrome (PMID: 29429203, 33751773). In at least one individual the variant was observed to be de novo. ClinVar contains an entry for this variant (Variation ID: 279694). For these reasons, this variant has been classified as Pathogenic.

GeneDx
Classification: Pathogenic. Last evaluated: 2025-08-28. Review status: criteria provided, single submitter. Criteria: GeneDx Variant Classification Process June 2021. Collection method: clinical testing. Allele origin: germline. Affected: yes.
Comment: Nonsense variant predicted to result in protein truncation, as the last 112 amino acid(s) are lost, and other loss-of-function variants have been reported downstream in HGMD; Not observed at significant frequency in large population cohorts (gnomAD); This variant is associated with the following publications: (PMID: 33057194, 35982159, 28362156, 38081334, 26633542, 33258288, 29429203, 33751773)

Medgenome Labs Ltd
Classification: Pathogenic for Bainbridge-Ropers syndrome. Last evaluated: 2025-01-30. Review status: criteria provided, single submitter. Criteria: ACMG Guidelines, 2015. Collection method: clinical testing. Allele origin: germline. Affected: yes.

Centre for Inherited Metabolic Diseases, Karolinska University Hospital
Classification: Pathogenic for Bainbridge-Ropers syndrome. Last evaluated: 2024-03-11. Review status: criteria provided, single submitter. Criteria: ACMG Guidelines, 2015. Collection method: clinical testing. Allele origin: de novo. Inheritance: Autosomal dominant inheritance. Affected: yes. Observed: 1 heterozygote.

Daryl Scott Lab, Baylor College of Medicine
Classification: Pathogenic for Bainbridge-Ropers syndrome. Last evaluated: 2024-01-01. Review status: criteria provided, single submitter. Criteria: ACMG Guidelines, 2015. Collection method: clinical testing. Allele origin: de novo. Affected: yes. Observed: 1 heterozygote.
Comment: PVS1, PS2, PM2

Laboratorio de Genetica e Diagnostico Molecular, Hospital Israelita Albert Einstein
Classification: Pathogenic for Bainbridge-Ropers syndrome. Last evaluated: 2022-11-25. Review status: criteria provided, single submitter. Criteria: ACMG Guidelines, 2015. Collection method: clinical testing. Allele origin: germline. Affected: yes. Observed: 1 variant allele.
Comment: ACMG classification criteria: PVS1 very strong, PS4 supporting, PM2 moderated

Illumina Laboratory Services, Illumina
Classification: Likely pathogenic for Bainbridge-Ropers syndrome. Last evaluated: 2021-12-01. Review status: criteria provided, single submitter. Criteria: ICSLVariantClassificationCriteria RUGD 01 April 2020. Collection method: clinical testing. Allele origin: unknown.
Comment: The ASXL3 c.3349C>T p.(Arg1117Ter) nonsense variant occurs in the last exon of the gene and the resulting transcript may escape nonsense-mediated mRNA decay. This variant has been identified in individuals with a phenotype consistent with Bainbridge-Ropers syndrome, including in a de novo state in at least one individual (Hedge et al. 2017; Zhang et al. 2018). This variant is not observed in version 2.1.1 of the Genome Aggregation Database. Based on the available evidence, the c.3349C>T p.(Arg1117Ter) variant is classified as likely pathogenic for Bainbridge-Ropers syndrome.

Eurofins Ntd Llc (ga)
Classification: Likely pathogenic. Last evaluated: 2015-11-05. Review status: criteria provided, single submitter. Criteria: EGL Classification Definitions 2015. Collection method: clinical testing. Allele origin: germline. Observed: 1 variant allele, 1 heterozygote.

Baylor Genetics
Classification: Pathogenic for Bainbridge-Ropers syndrome. Review status: criteria provided, single submitter. Criteria: ACMG Guidelines, 2015. Collection method: clinical testing. Allele origin: unknown.

Pediatric Department, Xiangya Hospital, Central South University
Classification: Pathogenic for Bainbridge-Ropers syndrome. Review status: criteria provided, single submitter. Criteria: ACMG Guidelines, 2015. Collection method: research. Allele origin: de novo. Affected: yes.

Literature cited by the submitters: PubMed 29429203 (cited by Labcorp Genetics (formerly Invitae), Labcorp); PubMed 33751773 (cited by Labcorp Genetics (formerly Invitae), Labcorp); PubMed 26633542 (cited by Medgenome Labs Ltd); PubMed 25326635 (cited by Baylor Genetics).

NM_030632.3(ASXL3):c.3349C>T (p.Arg1117Ter)

Gene: ASXL3 (ASXL transcriptional regulator 3; plus strand). Cytogenetic location: 18q12.1.
Variant type: single nucleotide variant.
Coding change: c.3349C>T on transcript NM_030632.3 (MANE Select); coding-DNA position 3349, C replaced by T.
Protein change: p.Arg1117Ter; replaces arginine 1117 with a stop codon.
Molecular consequence: nonsense.
Genome position (GRCh38, 1-based): chr18:33,743,197, C>T. VCF-style: chr18-33743197-C-T. GRCh37 (hg19) VCF-style: chr18-31323161-C-T.
Other names: short protein forms R1117*.
Identifiers: ClinVar variation 279694 (VCV000279694.17), dbSNP rs868044680, ClinGen allele CA10603417.